The following is an entry in ClinVar:

ClinVar aggregate classification (germline): Uncertain significance. Review status: criteria provided, multiple submitters, no conflicts (2 of 4 stars). 2 submissions from 2 submitters: Uncertain significance (2). Last evaluated 2025-12-08.

Conditions:
Inborn genetic diseases. Identifiers: MedGen C0950123, MeSH D030342.

Submissions (2):

Ambry Genetics
Classification: Uncertain significance for Inborn genetic diseases. Last evaluated: 2025-12-08. Review status: criteria provided, single submitter. Criteria: Ambry Variant Classification Scheme 2023. Collection method: clinical testing. Allele origin: germline.

Labcorp Genetics (formerly Invitae), Labcorp
Classification: Uncertain significance. Last evaluated: 2025-10-04. Review status: criteria provided, single submitter. Criteria: Invitae Variant Classification Sherloc (09022015). Collection method: clinical testing. Allele origin: germline.
Comment: This sequence change replaces serine, which is neutral and polar, with threonine, which is neutral and polar, at codon 452 of the TYMP protein (p.Ser452Thr). This variant is present in population databases (rs757481896, gnomAD 0.001%). This variant has not been reported in the literature in individuals affected with TYMP-related conditions. Invitae Evidence Modeling of protein sequence and biophysical properties (such as structural, functional, and spatial information, amino acid conservation, physicochemical variation, residue mobility, and thermodynamic stability) indicates that this missense variant is not expected to disrupt TYMP protein function with a negative predictive value of 95%. In summary, the available evidence is currently insufficient to determine the role of this variant in disease. Therefore, it has been classified as a Variant of Uncertain Significance.

NM_001953.5(TYMP):c.1355G>C (p.Ser452Thr)

Genes: SCO2 (synthesis of cytochrome C oxidase 2; minus strand), TYMP (thymidine phosphorylase; minus strand), LOC130067862 (ATAC-STARR-seq lymphoblastoid silent region 13986; plus strand). Cytogenetic location: 22q13.33.
Variant type: single nucleotide variant.
Coding change: c.1355G>C on transcript NM_001953.5 (MANE Select); coding-DNA position 1355, G replaced by C.
Protein change: p.Ser452Thr; replaces serine 452 with threonine.
Molecular consequence: missense variant. On other transcripts: intron variant (2).
Genome position (GRCh38, 1-based): chr22:50,525,864, C>G on the plus strand (G>C on the coding strand, the complement: TYMP is on the minus strand). VCF-style: chr22-50525864-C-G. GRCh37 (hg19) VCF-style: chr22-50964293-C-G.
Other names: c.1355G>C, p.Ser452Thr (NM_001113755.3, NM_001113756.3, NM_001257988.1); c.1370G>C, p.Ser457Thr (NM_001257989.1); c.-14+382G>C (NM_001169109.2); c.-14+137G>C (NM_001169110.1); short protein forms S452T, S457T.
Identifiers: ClinVar variation 4634005 (VCV004634005.1).
Genomic context (GRCh38, chr22:50,525,864, plus strand): 5'-GGCGAGGGGGCGGCGAATGGCGCGCGGTCGGAGAGTACGAGCGCCTCCTGCAGGGCGCGG[C>G]TCTGCGGGCCGCTGAGCGCGGGGCCGTCCCGGTGCACGCGGAGCCAGGGGGTCCCTGCAG-3'
Protein context (NP_001944.1, residues 442-462): RDGPALSGPQ[Ser452Thr]RALQEALVLS